The following is an entry in ClinVar:

ClinVar aggregate classification (germline): Pathogenic (1 of 4 stars; one submission).

Conditions:
Marfan syndrome (MFS). Also called: Marfan syndrome type 1; Marfan's syndrome; FBN1-Related Marfan Syndrome; MARFAN SYNDROME, TYPE I; Marfan syndrome, classic. Identifiers: Orphanet 284963, Orphanet 558, MedGen C0024796, MONDO:0007947, OMIM 154700.
Familial thoracic aortic aneurysm and aortic dissection (TAAD). Also called: Thoracic aortic aneurysms and dissections. Identifiers: Orphanet 91387, MedGen C4707243, MONDO:0019625.

Submission:

Labcorp Genetics (formerly Invitae), Labcorp
Classification: Pathogenic for Marfan syndrome; Familial thoracic aortic aneurysm and aortic dissection. Last evaluated: 2025-04-14. Review status: criteria provided, single submitter. Criteria: Invitae Variant Classification Sherloc (09022015). Collection method: clinical testing. Allele origin: germline.
Comment: This sequence change creates a premature translational stop signal (p.Glu1980*) in the FBN1 gene. It is expected to result in an absent or disrupted protein product. Loss-of-function variants in FBN1 are known to be pathogenic (PMID: 17657824, 19293843). This variant is not present in population databases (gnomAD no frequency). This variant has not been reported in the literature in individuals affected with FBN1-related conditions. ClinVar contains an entry for this variant (Variation ID: 1358273). For these reasons, this variant has been classified as Pathogenic.

Literature cited by the submitters: PubMed 17657824; PubMed 19293843.

NM_000138.5(FBN1):c.5937_5938insT (p.Glu1980Ter)

Gene: FBN1 (fibrillin 1; minus strand). Cytogenetic location: 15q21.1.
Variant type: Insertion.
Coding change: c.5937_5938insT on transcript NM_000138.5 (MANE Select); coding-DNA positions 5937 to 5938, T inserted.
Protein change: p.Glu1980Ter; replaces glutamic acid 1980 with a stop codon.
Molecular consequence: nonsense.
Genome position: GRCh38 VCF-style: chr15-48444640-C-CA. GRCh37 (hg19) VCF-style: chr15-48736837-C-CA.
Other names: short protein forms E1980*.
Identifiers: ClinVar variation 1358273 (VCV001358273.6), dbSNP rs2141248157, ClinGen allele CA2573150954.